The following is an entry in ClinVar:

ClinVar aggregate classification (germline): Likely benign (1 of 4 stars; one submission).

Submission:

CeGaT Center for Human Genetics Tuebingen
Classification: Likely benign. Last evaluated: 2026-08-01. Review status: criteria provided, single submitter. Criteria: CeGaT Center For Human Genetics Tuebingen Variant Classification Criteria Version 2. Collection method: clinical testing. Allele origin: germline. Affected: yes. Observed: 1 variant allele.
Comment: PGAM2: PM2:Supporting, BP4, BP7

NM_000290.4(PGAM2):c.282C>G (p.Gly94=)

Genes: PGAM2 (phosphoglycerate mutase 2; minus strand), DBNL (drebrin like; plus strand). Cytogenetic location: 7p13.
Variant type: single nucleotide variant.
Coding change: c.282C>G on transcript NM_000290.4 (MANE Select); coding-DNA position 282, C replaced by G.
Protein change: p.Gly94=; no amino-acid change (glycine 94 retained).
Molecular consequence: synonymous variant. On other transcripts: 3 prime UTR variant (6).
Genome position (GRCh38, 1-based): chr7:44,065,248, G>C on the plus strand (C>G on the coding strand, the complement: PGAM2 is on the minus strand). VCF-style: chr7-44065248-G-C. GRCh37 (hg19) VCF-style: chr7-44104847-G-C.
Other names: c.*4332G>C (NM_001014436.3, NM_001122956.2, NM_001284313.2 and 3 more transcripts).
Identifiers: ClinVar variation 5039650 (VCV005039650.1).